The following is an entry in ClinVar:

NM_000487.6(ARSA):c.1108-29C>T

Gene: ARSA (arylsulfatase A; minus strand). Cytogenetic location: 22q13.33.
Variant type: single nucleotide variant.
Coding change: c.1108-29C>T on transcript NM_000487.6 (MANE Select); 29 bases into the intron before coding-DNA position 1108, C replaced by T.
Molecular consequence: intron variant.
Genome position (GRCh38, 1-based): chr22:50,625,710, G>A on the plus strand (C>T on the coding strand, the complement: ARSA is on the minus strand). VCF-style: chr22-50625710-G-A. GRCh37 (hg19) VCF-style: chr22-51064138-G-A.
Other names: c.850-29C>T (NM_001362782.2, NM_001085428.3); c.1108-29C>T (NM_001085427.3, NM_001085426.3, NM_001085425.3).
Identifiers: ClinVar variation 3045985 (VCV003045985.3), dbSNP rs200256800, ClinGen allele CA10324818.

ClinVar aggregate classification (germline): Likely benign. Review status: criteria provided, single submitter (1 of 4 stars). 2 submissions from 2 submitters: Likely benign (1). 1 of the submissions does not count toward it. Last evaluated 2024-08-26.

Conditions:
ARSA-related disorder. Also called: ARSA-related condition.

Allele frequency attached by ClinVar (database versions not stated): gnomAD exomes 0.00011; ExAC 0.00047; gnomAD 0.00110; 1000 Genomes Project 0.00120; TOPMed 0.00125; 1000 Genomes Project 30x 0.00141; ESP Exome Variant Server 0.00146.
gnomAD v4.1: 347 of 1,601,496 alleles (0.022%); highest among the groups gnomAD compares: African/African-American, 0.38%; no homozygotes.

Submissions (2):

Blueprint Genetics
Classification: Likely benign. Last evaluated: 2024-08-26. Review status: criteria provided, single submitter. Criteria: ACMG Guidelines, 2015. Collection method: clinical testing. Allele origin: germline.

PreventionGenetics, part of Exact Sciences
Classification: Likely benign for ARSA-related condition. Last evaluated: 2021-10-29. Review status: no assertion criteria provided. Collection method: clinical testing. Allele origin: germline. Not counted in ClinVar's aggregate classification.
Comment: This variant is classified as likely benign based on ACMG/AMP sequence variant interpretation guidelines (Richards et al. 2015 PMID: 25741868, with internal and published modifications).